The following is an entry in ClinVar:

NM_207037.2(TCF12):c.1615dup (p.Thr539fs)

Gene: TCF12 (transcription factor 12; plus strand). Cytogenetic location: 15q21.3.
Variant type: Duplication.
Coding change: c.1615dup on transcript NM_207037.2 (MANE Select); coding-DNA position 1615, one base duplicated (A; older notation c.1615dupA).
Protein change: p.Thr539fs; shifts the reading frame from threonine 539.
Molecular consequence: frameshift variant.
Genome position (GRCh38, 1-based): chr15:57,263,144, A duplicated. VCF-style (leftmost placement, unchanged base first): chr15-57263143-T-TA. GRCh37 (hg19) VCF-style: chr15-57555341-T-TA.
Other names: c.1105dup, p.Thr369fs (NM_001306219.3); c.835dup, p.Thr279fs (NM_001306220.3); c.1615dup, p.Thr539fs (NM_001322151.2, NM_001322152.2, NM_001322159.3 and 2 more transcripts); c.958dup, p.Thr320fs (NM_001322154.2); c.1441dup, p.Thr481fs (NM_001322156.2); c.1543dup, p.Thr515fs (NM_001322157.3, NM_001322165.2, NM_003205.4 and 1 more transcripts); c.1369dup, p.Thr457fs (NM_001322158.2); c.1612dup, p.Thr538fs (NM_001322161.2); and 2 more; short protein forms T279fs, T457fs, T481fs, T515fs, T538fs, T527fs, T539fs, T320fs.
Identifiers: ClinVar variation 3704468 (VCV003704468.2).
Genomic context (GRCh38, chr15:57,263,143, plus strand): 5'-ATTTTATCTTTCCTTTGCCTCTTTGTTAGGTGGCTTGCAAAGTCAGTCTGGAACTGTTGT[T>TA]ACAACAGAAATCAAGACTGAAAACAAAGAAAAGGATGAAAACCTTCATGAACCTCCTTCA-3'

ClinVar aggregate classification (germline): Pathogenic (1 of 4 stars; one submission).

Submission:

Labcorp Genetics (formerly Invitae), Labcorp
Classification: Pathogenic. Last evaluated: 2024-10-07. Review status: criteria provided, single submitter. Criteria: Invitae Variant Classification Sherloc (09022015). Collection method: clinical testing. Allele origin: germline.
Comment: This sequence change creates a premature translational stop signal (p.Thr539Asnfs*7) in the TCF12 gene. It is expected to result in an absent or disrupted protein product. Loss-of-function variants in TCF12 are known to be pathogenic (PMID: 23354436, 32620954). This variant is not present in population databases (gnomAD no frequency). This premature translational stop signal has been observed in individual(s) with craniosynostosis (PMID: 29215649). For these reasons, this variant has been classified as Pathogenic.

Literature cited by the submitters: PubMed 23354436; PubMed 32620954; PubMed 29215649.